The following is an entry in ClinVar:

ClinVar aggregate classification (germline): Uncertain significance (1 of 4 stars; one submission).

Submission:

Labcorp Genetics (formerly Invitae), Labcorp
Classification: Uncertain significance. Last evaluated: 2022-11-08. Review status: criteria provided, single submitter. Criteria: Invitae Variant Classification Sherloc (09022015). Collection method: clinical testing. Allele origin: germline.
Comment: In summary, the available evidence is currently insufficient to determine the role of this variant in disease. Therefore, it has been classified as a Variant of Uncertain Significance. Advanced modeling of protein sequence and biophysical properties (such as structural, functional, and spatial information, amino acid conservation, physicochemical variation, residue mobility, and thermodynamic stability) performed at Invitae indicates that this missense variant is not expected to disrupt FOXF1 protein function. ClinVar contains an entry for this variant (Variation ID: 1479072). This variant has not been reported in the literature in individuals affected with FOXF1-related conditions. This variant is not present in population databases (gnomAD no frequency). This sequence change replaces histidine, which is basic and polar, with arginine, which is basic and polar, at codon 238 of the FOXF1 protein (p.His238Arg).

NM_001451.3(FOXF1):c.713A>G (p.His238Arg)

Gene: FOXF1 (forkhead box F1; plus strand). Cytogenetic location: 16q24.1.
Variant type: single nucleotide variant.
Coding change: c.713A>G on transcript NM_001451.3 (MANE Select); coding-DNA position 713, A replaced by G.
Protein change: p.His238Arg; replaces histidine 238 with arginine.
Molecular consequence: missense variant.
Genome position (GRCh38, 1-based): chr16:86,511,282, A>G. VCF-style: chr16-86511282-A-G. GRCh37 (hg19) VCF-style: chr16-86544888-A-G.
Other names: short protein forms H238R.
Identifiers: ClinVar variation 1479072 (VCV001479072.6), dbSNP rs1178200609, ClinGen allele CA397007896.